The following is an entry in ClinVar:

NM_000113.3(TOR1A):c.486T>A (p.Cys162Ter)

Gene: TOR1A (torsin family 1 member A; minus strand). Cytogenetic location: 9q34.11.
Variant type: single nucleotide variant.
Coding change: c.486T>A on transcript NM_000113.3 (MANE Select); coding-DNA position 486, T replaced by A.
Protein change: p.Cys162Ter; replaces cysteine 162 with a stop codon.
Molecular consequence: nonsense.
Genome position (GRCh38, 1-based): chr9:129,818,879, A>T on the plus strand (T>A on the coding strand, the complement: TOR1A is on the minus strand). VCF-style: chr9-129818879-A-T. GRCh37 (hg19) VCF-style: chr9-132581158-A-T.
Other names: short protein forms C162*.
Identifiers: ClinVar variation 3393413 (VCV003393413.1).

ClinVar aggregate classification (germline): Likely pathogenic (1 of 4 stars; one submission).

Conditions:
Arthrogryposis multiplex congenita 5. Identifiers: MedGen C5436453, MONDO:0100218, OMIM 618947.

Submission:

Neuberg Centre For Genomic Medicine, NCGM
Classification: Likely pathogenic for Arthrogryposis multiplex congenita 5. Review status: criteria provided, single submitter. Criteria: ACMG Guidelines, 2015. Collection method: clinical testing. Allele origin: germline. Inheritance: Autosomal recessive inheritance. Affected: yes.
Comment: The stop gained variant c.486T>A p.Cys162Ter in the TOR1A gene has not been reported previously as a pathogenic variant nor as a benign variant, to our knowledge. The variant is absent in the gnomAD Exomes. This variant is predicted to cause loss of normal protein function through protein truncation. Loss of function variants has been previously reported to be disease-causing Reichert et al., 2017. For these reasons, this variant has been classified as Likely Pathogenic.